The following is an entry in ClinVar:

NM_001174150.2(ARL13B):c.487-3T>C

Gene: ARL13B (ARF like GTPase 13B; plus strand). Cytogenetic location: 3q11.2.
Variant type: single nucleotide variant.
Coding change: c.487-3T>C on transcript NM_001174150.2 (MANE Select); 3 bases into the intron before coding-DNA position 487, T replaced by C.
Molecular consequence: intron variant.
Genome position (GRCh38, 1-based): chr3:94,036,549, T>C. VCF-style: chr3-94036549-T-C. GRCh37 (hg19) VCF-style: chr3-93755393-T-C.
Other names: c.442-3T>C (NM_001321328.2); c.487-3T>C (NM_182896.3); c.178-3T>C (NM_001174151.2); c.166-3T>C (NM_144996.4).
Identifiers: ClinVar variation 1404076 (VCV001404076.6), dbSNP rs757167797, ClinGen allele CA2504081.

ClinVar aggregate classification (germline): Uncertain significance (1 of 4 stars; one submission).

Conditions:
Joubert syndrome 8 (JBTS8). Identifiers: Orphanet 475, MedGen C2676771, MONDO:0012855, OMIM 612291.

Allele frequency attached by ClinVar (database versions not stated): gnomAD exomes below 0.00001; ExAC 0.00001.
gnomAD v4.1: 1 of 1,613,988 alleles (0.000062%); highest among the groups gnomAD compares: Non-Finnish European, 0.000085%; no homozygotes.

Submission:

Labcorp Genetics (formerly Invitae), Labcorp
Classification: Uncertain significance for Joubert syndrome 8. Last evaluated: 2022-08-15. Review status: criteria provided, single submitter. Criteria: Invitae Variant Classification Sherloc (09022015). Collection method: clinical testing. Allele origin: germline.
Comment: In summary, the available evidence is currently insufficient to determine the role of this variant in disease. Therefore, it has been classified as a Variant of Uncertain Significance. Variants that disrupt the consensus splice site are a relatively common cause of aberrant splicing (PMID: 17576681, 9536098). Algorithms developed to predict the effect of sequence changes on RNA splicing suggest that this variant is not likely to affect RNA splicing. ClinVar contains an entry for this variant (Variation ID: 1404076). This variant has not been reported in the literature in individuals affected with ARL13B-related conditions. This variant is present in population databases (rs757167797, gnomAD no frequency). This sequence change falls in intron 4 of the ARL13B gene. It does not directly change the encoded amino acid sequence of the ARL13B protein. It affects a nucleotide within the consensus splice site.

Literature cited by the submitters: PubMed 17576681; PubMed 9536098.